The following is an entry in ClinVar:

NC_000001.10:g.(?_110116339)_(110116679_?)del

Gene: GNAI3 (G protein subunit alpha i3; plus strand). Cytogenetic location: 1p13.3.
Variant type: Deletion.
Identifiers: ClinVar variation 3247974 (VCV003247974.1).

ClinVar aggregate classification (germline): Uncertain significance (1 of 4 stars; one submission).

Submission:

Labcorp Genetics (formerly Invitae), Labcorp
Classification: Uncertain significance. Last evaluated: 2023-11-15. Review status: criteria provided, single submitter. Criteria: Invitae Variant Classification Sherloc (09022015). Collection method: clinical testing. Allele origin: unknown.
Comment: This variant is a gross deletion of the genomic region encompassing exon(s) 2-3 of the GNAI3 gene. This deletion is out-of-frame, and is expected to create a premature translational stop signal and result in an absent or disrupted protein product. However, the current clinical and genetic evidence is not sufficient to establish whether loss-of-function variants in GNAI3 cause disease. This variant has not been reported in the literature in individuals affected with GNAI3-related conditions. Experimental studies and prediction algorithms are not available or were not evaluated, and the functional significance of this variant is currently unknown. In summary, the available evidence is currently insufficient to determine the role of this variant in disease. Therefore, it has been classified as a Variant of Uncertain Significance.